The following is an entry in ClinVar:

ClinVar aggregate classification (germline): Uncertain significance (1 of 4 stars; one submission).

Allele frequency attached by ClinVar (database versions not stated): gnomAD exomes below 0.00001.
gnomAD v4.1: 1 of 1,613,708 alleles (0.000062%); highest among the groups gnomAD compares: Admixed American, 0.0017%; no homozygotes.

Submission:

Labcorp Genetics (formerly Invitae), Labcorp
Classification: Uncertain significance. Last evaluated: 2021-12-24. Review status: criteria provided, single submitter. Criteria: Invitae Variant Classification Sherloc (09022015). Collection method: clinical testing. Allele origin: germline.
Comment: This sequence change replaces aspartic acid, which is acidic and polar, with asparagine, which is neutral and polar, at codon 1387 of the PCLO protein (p.Asp1387Asn). This variant is present in population databases (no rsID available, gnomAD 0.003%). In summary, the available evidence is currently insufficient to determine the role of this variant in disease. Therefore, it has been classified as a Variant of Uncertain Significance. Algorithms developed to predict the effect of missense changes on protein structure and function are either unavailable or do not agree on the potential impact of this missense change (SIFT: "Tolerated"; PolyPhen-2: "Not Available"; Align-GVGD: "Class C0"). This variant has not been reported in the literature in individuals affected with PCLO-related conditions.

NM_033026.6(PCLO):c.4159G>A (p.Asp1387Asn)

Gene: PCLO (piccolo presynaptic cytomatrix protein; minus strand). Cytogenetic location: 7q21.11.
Variant type: single nucleotide variant.
Coding change: c.4159G>A on transcript NM_033026.6 (MANE Select); coding-DNA position 4159, G replaced by A.
Protein change: p.Asp1387Asn; replaces aspartic acid 1387 with asparagine.
Molecular consequence: missense variant.
Genome position (GRCh38, 1-based): chr7:82,956,794, C>T on the plus strand (G>A on the coding strand, the complement: PCLO is on the minus strand). VCF-style: chr7-82956794-C-T. GRCh37 (hg19) VCF-style: chr7-82586110-C-T.
Other names: c.4159G>A, p.Asp1387Asn (NM_014510.3); short protein forms D1387N.
Identifiers: ClinVar variation 2059145 (VCV002059145.4), dbSNP rs1371770010, ClinGen allele CA367928518.
Genomic context (GRCh38, chr7:82,956,794, plus strand): 5'-AGGGGCTGGAAGGGCTGCTTTCTTGTGAAAAAGAGTCCTTTTTGAGTCCCTTGAGAATAT[C>T]CTTTTCATCAGTTGGAATAAGACTTGGAATTTCACCAAGTGAGCTTGATATTCCATCGGA-3'
Protein context (NP_149015.2, residues 1377-1397): IPSLIPTDEK[Asp1387Asn]ILKGLKKDSF